The following is an entry in ClinVar:

ClinVar aggregate classification (germline): Conflicting classifications of pathogenicity. Review status: criteria provided, conflicting classifications (1 of 4 stars). 5 submissions from 5 submitters: Uncertain significance (1); Likely benign (4). Last evaluated 2025-01-01.

Conditions:
Inborn genetic diseases. Identifiers: MedGen C0950123, MeSH D030342.
Coffin Siris/Intellectual Disability. Identifiers: MedGen CN185481.

Allele frequency attached by ClinVar (database versions not stated): ExAC 0.00003; gnomAD 0.00003; gnomAD exomes 0.00004; TOPMed 0.00004.
gnomAD v4.1: 28 of 1,612,794 alleles (0.0017%); highest among the groups gnomAD compares: Admixed American, 0.005%; no homozygotes.

Submissions (5):

CeGaT Center for Human Genetics Tuebingen
Classification: Likely benign. Last evaluated: 2025-01-01. Review status: criteria provided, single submitter. Criteria: CeGaT Center For Human Genetics Tuebingen Variant Classification Criteria Version 2. Collection method: clinical testing. Allele origin: germline. Affected: yes. Observed: 1 variant allele.
Comment: ARID1B: BP4, BP7

Blueprint Genetics
Classification: Likely benign. Last evaluated: 2024-05-13. Review status: criteria provided, single submitter. Criteria: ACMG Guidelines, 2015. Collection method: clinical testing. Allele origin: germline.

Labcorp Genetics (formerly Invitae), Labcorp
Classification: Likely benign. Last evaluated: 2023-05-11. Review status: criteria provided, single submitter. Criteria: Invitae Variant Classification Sherloc (09022015). Collection method: clinical testing. Allele origin: germline.

Ambry Genetics
Classification: Likely benign for Inborn genetic diseases. Last evaluated: 2019-01-15. Review status: criteria provided, single submitter. Criteria: Ambry Variant Classification Scheme 2023. Collection method: clinical testing. Allele origin: germline.

Genetic Services Laboratory, University of Chicago
Classification: Uncertain significance for Coffin Siris/Intellectual Disability. Last evaluated: 2013-07-16. Review status: criteria provided, single submitter. Criteria: ACMG Guidelines, 2007. Collection method: clinical testing. Allele origin: germline. Inheritance: Autosomal dominant inheritance. Observed: 1 variant allele.

NM_001374828.1(ARID1B):c.3009G>A (p.Pro1003=)

Gene: ARID1B (AT-rich interaction domain 1B; plus strand). Cytogenetic location: 6q25.3.
Variant type: single nucleotide variant.
Coding change: c.3009G>A on transcript NM_001374828.1 (MANE Select); coding-DNA position 3009, G replaced by A.
Protein change: p.Pro1003=; no amino-acid change (proline 1003 retained).
Molecular consequence: synonymous variant.
Genome position (GRCh38, 1-based): chr6:157,148,871, G>A. VCF-style: chr6-157148871-G-A. GRCh37 (hg19) VCF-style: chr6-157470005-G-A.
Other names: c.2799G>A, p.Pro933= (NM_020732.3); c.510G>A, p.Pro170= (NM_001363725.2); c.3048G>A, p.Pro1016= (NM_001371656.1, NM_001374820.1); c.3009G>A, p.Pro1003= (NM_017519.3).
Identifiers: ClinVar variation 126322 (VCV000126322.29), dbSNP rs587779742, ClinGen allele CA151044.
Genomic context (GRCh38, chr6:157,148,871, plus strand): 5'-GAGCAGCATGACCCCCAGTTCTCCTGGCATGTCTCAGCAGGGAGGGCCAGGAATGGGGCC[G>A]CCAATGCCAACTGTGAACCGTAAGGCACAGGAGGCAGCCGCAGCAGTGATGCAGGCTGCT-3'
Protein context (NP_001361757.1, residues 993-1013): MSQQGGPGMG[Pro1003=]PMPTVNRKAQ